The following is an entry in ClinVar:

NM_006245.4(PPP2R5D):c.1614C>T (p.Thr538=)

Gene: PPP2R5D (protein phosphatase 2 regulatory subunit B'delta; plus strand). Cytogenetic location: 6p21.1.
Variant type: single nucleotide variant.
Coding change: c.1614C>T on transcript NM_006245.4 (MANE Select); coding-DNA position 1614, C replaced by T.
Protein change: p.Thr538=; no amino-acid change (threonine 538 retained).
Molecular consequence: synonymous variant.
Genome position (GRCh38, 1-based): chr6:43,010,940, C>T. VCF-style: chr6-43010940-C-T. GRCh37 (hg19) VCF-style: chr6-42978678-C-T.
Other names: c.1161C>T, p.Thr387= (NM_001270476.2); c.1518C>T, p.Thr506= (NM_180976.3); c.1296C>T, p.Thr432= (NM_180977.3).
Identifiers: ClinVar variation 1271285 (VCV001271285.22), dbSNP rs150410961, ClinGen allele CA3812126.

ClinVar aggregate classification (germline): Benign/Likely benign. Review status: criteria provided, multiple submitters, no conflicts (2 of 4 stars). 3 submissions from 3 submitters: Benign (2); Likely benign (1). Last evaluated 2025-10-26.

Allele frequency attached by ClinVar (database versions not stated): gnomAD exomes 0.00010; ExAC 0.00015; gnomAD 0.00027 and 0.00029; TOPMed 0.00038; 1000 Genomes Project 0.00060; 1000 Genomes Project 30x 0.00062; ESP Exome Variant Server 0.00077.
gnomAD v4.1: 99 of 1,614,146 alleles (0.0061%); highest among the groups gnomAD compares: African/African-American, 0.11%; 1 homozygote.

Submissions (3):

Labcorp Genetics (formerly Invitae), Labcorp
Classification: Benign. Last evaluated: 2025-10-26. Review status: criteria provided, single submitter. Criteria: Invitae Variant Classification Sherloc (09022015). Collection method: clinical testing. Allele origin: germline.

CeGaT Center for Human Genetics Tuebingen
Classification: Likely benign. Last evaluated: 2024-12-01. Review status: criteria provided, single submitter. Criteria: CeGaT Center For Human Genetics Tuebingen Variant Classification Criteria Version 2. Collection method: clinical testing. Allele origin: germline. Affected: yes. Observed: 1 variant allele.
Comment: PPP2R5D: BP4, BP7

GeneDx
Classification: Benign. Last evaluated: 2021-02-11. Review status: criteria provided, single submitter. Criteria: GeneDx Variant Classification Process June 2021. Collection method: clinical testing. Allele origin: germline. Affected: yes.